The following is an entry in ClinVar:

ClinVar aggregate classification (germline): Likely benign. Review status: criteria provided, single submitter (1 of 4 stars). 2 submissions from 2 submitters: Likely benign (1). 1 of the submissions does not count toward it. Last evaluated 2025-08-01.

Conditions:
SEMA4D-related disorder. Also called: SEMA4D-related condition.

Allele frequency attached by ClinVar (database versions not stated): 1000 Genomes Project 30x 0.00047; 1000 Genomes Project 0.00060; ESP Exome Variant Server 0.00085; TOPMed 0.00122; gnomAD exomes 0.00138; gnomAD 0.00170; ExAC 0.00311.
gnomAD v4.1: 2,198 of 1,586,196 alleles (0.14%); highest among the groups gnomAD compares: Admixed American, 0.16%; 7 homozygotes.

Submissions (2):

CeGaT Center for Human Genetics Tuebingen
Classification: Likely benign. Last evaluated: 2025-08-01. Review status: criteria provided, single submitter. Criteria: CeGaT Center For Human Genetics Tuebingen Variant Classification Criteria Version 2. Collection method: clinical testing. Allele origin: germline. Affected: yes. Observed: 2 variant alleles.
Comment: SEMA4D: BP4, BP7

PreventionGenetics, part of Exact Sciences
Classification: Likely benign for SEMA4D-related condition. Last evaluated: 2019-04-03. Review status: no assertion criteria provided. Collection method: clinical testing. Allele origin: germline. Not counted in ClinVar's aggregate classification.
Comment: This variant is classified as likely benign based on ACMG/AMP sequence variant interpretation guidelines (Richards et al. 2015 PMID: 25741868, with internal and published modifications).

NM_001371194.2(SEMA4D):c.1512G>A (p.Gly504=)

Gene: SEMA4D (semaphorin 4D; minus strand). Cytogenetic location: 9q22.2.
Variant type: single nucleotide variant.
Coding change: c.1512G>A on transcript NM_001371194.2 (MANE Select); coding-DNA position 1512, G replaced by A.
Protein change: p.Gly504=; no amino-acid change (glycine 504 retained).
Molecular consequence: synonymous variant.
Genome position (GRCh38, 1-based): chr9:89,381,281, C>T on the plus strand (G>A on the coding strand, the complement: SEMA4D is on the minus strand). VCF-style: chr9-89381281-C-T. GRCh37 (hg19) VCF-style: chr9-91996196-C-T.
Other names: c.1512G>A, p.Gly504= (NM_001371201.1, NM_001371202.1, NM_006378.4 and 7 more transcripts); c.1512G>A (NM_006378.3).
Identifiers: ClinVar variation 2659296 (VCV002659296.25), dbSNP rs148298809, ClinGen allele CA5118337.
Genomic context (GRCh38, chr9:89,381,281, plus strand): 5'-CGGGCTCCAGGCGCAGTAGGGGTCCCGCGCCAGCACACAGTCCTCGCAGGTGCCGTGCTT[C>T]CCACAGAAGGCCAGCGGGGCCTGGACCACGCCCGAGTTAGAGCCAGCATAGACAAACCTG-3'
Protein context (NP_001358123.1, residues 494-514): GVVQAPLAFC[Gly504=]KHGTCEDCVL